The following is an entry in ClinVar:

ClinVar aggregate classification (germline): Conflicting classifications of pathogenicity. Review status: criteria provided, conflicting classifications (1 of 4 stars). 3 submissions from 3 submitters: Uncertain significance (2); Likely benign (1). Last evaluated 2026-05-26.

Conditions:
NBAS-related disorder. Also called: NBAS-related condition.
Inborn genetic diseases. Identifiers: MedGen C0950123, MeSH D030342.

Allele frequency attached by ClinVar (database versions not stated): gnomAD exomes 0.00003 and 0.00007; ExAC 0.00011; TOPMed 0.00029; 1000 Genomes Project 30x 0.00031; gnomAD 0.00032 and 0.00035; 1000 Genomes Project 0.00040; ESP Exome Variant Server 0.00046.
gnomAD v4.1: 91 of 1,614,122 alleles (0.0056%); highest among the groups gnomAD compares: African/African-American, 0.11%; no homozygotes.

Submissions (3):

PreventionGenetics, part of Exact Sciences
Classification: Uncertain significance for NBAS-related condition. Last evaluated: 2026-05-26. Review status: criteria provided, single submitter. Criteria: ACMG Guidelines, 2015. Collection method: clinical testing. Allele origin: germline.
Comment: The NBAS c.1669T>C variant is predicted to result in the amino acid substitution p.Tyr557His. To our knowledge, this variant has not been reported in the literature. This variant is reported in 0.10% of alleles in individuals of African descent in gnomAD, which may be too frequent to be a primary cause of disease. Although we suspect that this variant may be benign, at this time, the clinical significance of this variant is uncertain due to the absence of conclusive functional and genetic evidence.

Labcorp Genetics (formerly Invitae), Labcorp
Classification: Likely benign. Last evaluated: 2026-01-18. Review status: criteria provided, single submitter. Criteria: Invitae Variant Classification Sherloc (09022015). Collection method: clinical testing. Allele origin: germline.

Ambry Genetics
Classification: Uncertain significance for Inborn genetic diseases. Last evaluated: 2024-10-11. Review status: criteria provided, single submitter. Criteria: Ambry Variant Classification Scheme 2023. Collection method: clinical testing. Allele origin: germline.

NM_015909.4(NBAS):c.1669T>C (p.Tyr557His)

Gene: NBAS (NBAS subunit of NRZ tethering complex; minus strand). Cytogenetic location: 2p24.3.
Variant type: single nucleotide variant.
Coding change: c.1669T>C on transcript NM_015909.4 (MANE Select); coding-DNA position 1669, T replaced by C.
Protein change: p.Tyr557His; replaces tyrosine 557 with histidine.
Molecular consequence: missense variant. On other transcripts: non-coding transcript variant (1).
Genome position (GRCh38, 1-based): chr2:15,473,278, A>G on the plus strand (T>C on the coding strand, the complement: NBAS is on the minus strand). VCF-style: chr2-15473278-A-G. GRCh37 (hg19) VCF-style: chr2-15613402-A-G.
Other names: c.1669T>C (NM_015909.3, NM_015909.2); short protein forms Y557H.
Identifiers: ClinVar variation 1466284 (VCV001466284.9), dbSNP rs141933916, ClinGen allele CA1536600.